The following is an entry in ClinVar:

ClinVar aggregate classification (germline): Likely pathogenic (1 of 4 stars; one submission).

Conditions:
C1orf69-related disorder. Also called: C1orf69-Related Disorders.

Submission:

Women's Health and Genetics/Laboratory Corporation of America, LabCorp
Classification: Likely pathogenic for C1orf69-Related Disorders. Last evaluated: 2023-01-09. Review status: criteria provided, single submitter. Criteria: LabCorp Variant Classification Summary - May 2015. Collection method: clinical testing. Allele origin: germline.
Comment: Variant summary: C1orf69 (IBA57) c.[338_341+2delACGGGT;341+5delG] (also known as c.338_341+5delinsGA) is located in a canonical splice-site and is predicted to affect mRNA splicing resulting in a significantly altered protein due to either exon skipping, shortening, or inclusion of intronic material. Several computational tools predict a significant impact on normal splicing: Four predict the variant abolishes a 5 prime splicing donor site. However, these predictions have yet to be confirmed by functional studies. The variant was absent in 114252 control chromosomes. To our knowledge, no occurrence of c.[338_341+2delACGGGT;341+5delG] in individuals affected with C1orf69-Related Disorders and no experimental evidence demonstrating its impact on protein function have been reported. No clinical diagnostic laboratories have submitted clinical-significance assessments for this variant to ClinVar after 2014. Based on the evidence outlined above, the variant was classified as likely pathogenic.

NM_001010867.4(IBA57):c.[338_341+2del;341+5del]

Variant type: Haplotype.
Identifiers: ClinVar variation 2429168 (VCV002429168.2).